The following is an entry in ClinVar:

ClinVar aggregate classification (germline): Likely benign. Review status: criteria provided, multiple submitters, no conflicts (2 of 4 stars). 2 submissions from 2 submitters: Likely benign (2). Last evaluated 2025-12-09.

Conditions:
Renal cell carcinoma. Identifiers: Orphanet 217071, MedGen C0007134, MeSH D002292, MONDO:0005086, HP:0005584.
Papillary renal cell carcinoma type 1 (RCCP1). Also called: Renal adenocarcinoma; Renal cell carcinoma 1; Renal cell carcinoma, somatic; RENAL CELL CARCINOMA, PAPILLARY, 1, SOMATIC. Identifiers: Orphanet 47044, MedGen C1336839, OMIM 605074, HP:0011797.

Allele frequency attached by ClinVar (database versions not stated): gnomAD exomes below 0.00001 and 0.00001; gnomAD 0.00001; ExAC 0.00002; TOPMed 0.00003; ESP Exome Variant Server 0.00008.
gnomAD v4.1: 2 of 1,613,294 alleles (0.00012%); highest among the groups gnomAD compares: African/African-American, 0.0027%; no homozygotes.

Submissions (2):

Labcorp Genetics (formerly Invitae), Labcorp
Classification: Likely benign for Renal cell carcinoma. Last evaluated: 2025-12-09. Review status: criteria provided, single submitter. Criteria: Invitae Variant Classification Sherloc (09022015). Collection method: clinical testing. Allele origin: germline.

Myriad Genetics, Inc.
Classification: Likely benign for Papillary renal cell carcinoma type 1. Last evaluated: 2024-11-08. Review status: criteria provided, single submitter. Criteria: Myriad Autosomal Dominant, Autosomal Recessive and X-Linked Classification Criteria (2023). Collection method: clinical testing. Allele origin: unknown.
Comment: This variant is considered likely benign. This variant is intronic and is not expected to impact mRNA splicing.

NM_000245.4(MET):c.2102+9A>T

Gene: MET (MET proto-oncogene, receptor tyrosine kinase; plus strand). Cytogenetic location: 7q31.2.
Variant type: single nucleotide variant.
Coding change: c.2102+9A>T on transcript NM_000245.4 (MANE Select); 9 bases into the intron after coding-DNA position 2102, A replaced by T.
Molecular consequence: intron variant.
Genome position (GRCh38, 1-based): chr7:116,757,783, A>T. VCF-style: chr7-116757783-A-T. GRCh37 (hg19) VCF-style: chr7-116397837-A-T.
Other names: c.2102+9A>T (NM_001127500.3, NM_001324401.3); c.812+9A>T (NM_001324402.2).
Identifiers: ClinVar variation 1635199 (VCV001635199.9), dbSNP rs201495740, ClinGen allele CA4448375.